The following is an entry in ClinVar:

NM_000443.4(ABCB4):c.2869C>T (p.Arg957Ter)

Gene: ABCB4 (ATP binding cassette subfamily B member 4; minus strand). Cytogenetic location: 7q21.12.
Variant type: single nucleotide variant.
Coding change: c.2869C>T on transcript NM_000443.4 (MANE Select); coding-DNA position 2869, C replaced by T.
Protein change: p.Arg957Ter; replaces arginine 957 with a stop codon.
Molecular consequence: nonsense. On other transcripts: intron variant (1).
Genome position (GRCh38, 1-based): chr7:87,411,948, G>A on the plus strand (C>T on the coding strand, the complement: ABCB4 is on the minus strand). VCF-style: chr7-87411948-G-A. GRCh37 (hg19) VCF-style: chr7-87041264-G-A.
Other names: c.2869C>T, p.Arg957Ter (NM_018849.3); c.2783+1669C>T (NM_018850.3); short protein forms R957*.
Identifiers: ClinVar variation 13687 (VCV000013687.15), dbSNP rs121918440, ClinGen allele CA123355.

ClinVar aggregate classification (germline): Pathogenic/Likely pathogenic. Review status: criteria provided, multiple submitters, no conflicts (2 of 4 stars). 7 submissions from 6 submitters: Pathogenic (4); Likely pathogenic (1). 2 of the submissions do not count toward it. Last evaluated 2026-05-13.

Conditions:
Familial intrahepatic cholestasis. Identifiers: Orphanet 284385, MedGen CN296401, MONDO:0017290.
ABCB4-related disorder. Also called: ABCB4-related disorders; ABCB4-related condition.
Cholestasis, intrahepatic, of pregnancy, 3. Identifiers: Orphanet 69665, MedGen C3554241, MONDO:0013995, OMIM 614972.
Low phospholipid associated cholelithiasis (GBD1). Also called: Gallstone cholecystitis; Gallbladder disease 1. Identifiers: Orphanet 69663, MedGen C2609268, MONDO:0010939, OMIM 600803.
Progressive familial intrahepatic cholestasis type 3. Also called: Low Gamma-GT Familial Intrahepatic Cholestasis; MDR3 DEFICIENCY. Identifiers: Orphanet 79305, MedGen C1865643, MONDO:0011214, OMIM 602347.

Allele frequency attached by ClinVar (database versions not stated): gnomAD exomes below 0.00001; gnomAD 0.00002; TOPMed 0.00002.
gnomAD v4.1: 6 of 1,613,706 alleles (0.00037%); highest among the groups gnomAD compares: African/African-American, 0.004%; no homozygotes.

Submissions (7):

PreventionGenetics, part of Exact Sciences
Classification: Pathogenic for ABCB4-related condition. Last evaluated: 2026-05-13. Review status: criteria provided, single submitter. Criteria: ACMG Guidelines, 2015. Collection method: clinical testing. Allele origin: germline.
Comment: The ABCB4 c.2869C>T variant is predicted to result in premature protein termination (p.Arg957*). This variant was reported in the homozygous and compound heterozygous states in patients with progressive intrahepatic cholestasis (de Vree et al. 1998. PubMed ID: 9419367; Stalke et al. 2017. PubMed ID: 28776642). This variant has not been reported in a large population database, indicating this variant is rare. Nonsense variants in ABCB4 are expected to be pathogenic. This variant is interpreted as pathogenic.

Genomenon, Inc
Classification: Pathogenic for Familial intrahepatic cholestasis. Last evaluated: 2026-04-14. Review status: criteria provided, single submitter. Criteria: Genomenon Sequence Variant Interpretation Standards - Updated. Collection method: curation. Allele origin: germline. Affected: yes.
Comment: ABCB4 p.Arg957Ter (c.2869C>T) is a nonsense variant that introduces a premature stop codon at amino acid position 957, creating a truncated protein that is predicted to undergo nonsense-mediated mRNA decay. This variant has been observed in at least one proband with an ABCB4-related disorder (PMID:36550572;9419367). It is absent or not present at a significant frequency in gnomAD. In conclusion, we classify ABCB4 p.Arg957Ter (c.2869C>T) as a pathogenic variant.

Labcorp Genetics (formerly Invitae), Labcorp
Classification: Pathogenic. Last evaluated: 2023-06-25. Review status: criteria provided, single submitter. Criteria: Invitae Variant Classification Sherloc (09022015). Collection method: clinical testing. Allele origin: germline.
Comment: ClinVar contains an entry for this variant (Variation ID: 13687). For these reasons, this variant has been classified as Pathogenic. Algorithms developed to predict the effect of sequence changes on RNA splicing suggest that this variant may disrupt the consensus splice site. This premature translational stop signal has been observed in individual(s) with familial intrahepatic cholestasis (PMID: 9419367). This variant is not present in population databases (gnomAD no frequency). This sequence change creates a premature translational stop signal (p.Arg957*) in the ABCB4 gene. It is expected to result in an absent or disrupted protein product. Loss-of-function variants in ABCB4 are known to be pathogenic (PMID: 17726488, 25755532).

Revvity Omics, Revvity
Classification: Pathogenic. Last evaluated: 2020-02-03. Review status: criteria provided, single submitter. Criteria: ACMG Guidelines, 2015. Collection method: clinical testing. Allele origin: germline.

Illumina Laboratory Services, Illumina
Classification: Likely pathogenic for Cholecystitis. Last evaluated: 2018-12-13. Review status: criteria provided, single submitter. Criteria: ICSL Variant Classification Criteria 09 May 2019. Collection method: clinical testing. Allele origin: germline.
Comment: The ABCB4 c.2869C>T (p.Arg957Ter) variant is a stop-gained variant that is predicted to result in a premature termination of the protein. The p.Arg957Ter variant has been reported in two studies and is found in two probands with progressive familial intrahepatic cholestasis, including one in a homozygous state and one in a compound heterozygous state (de Vree et al. 1998; Stalke et al. 2017). Canalicular staining for ABCB4 protein was negative in liver tissue of the homozygous proband, and Northern blot and Western blot analysis showed low level or absence of RNA and protein (de Vree et al. 1998). Control data are unavailable for this variant and it is not found in the 1000 Genomes Project, the Exome Sequencing Project, the Exome Aggregation Consortium, or the Genome Aggregation Database. Based on the evidence and potential impact of stop-gained variants, this variant is classified as likely pathogenic for ABCB4-related intrahepatic cholestasis. This variant was observed by ICSL as part of a predisposition screen in an ostensibly healthy population.

OMIM
Classification: Pathogenic for CHOLESTASIS, PROGRESSIVE FAMILIAL INTRAHEPATIC 3. Last evaluated: 2017-10-18. Review status: no assertion criteria provided. Collection method: literature only. Allele origin: germline. Not counted in ClinVar's aggregate classification.

OMIM
Classification: Pathogenic for CHOLESTASIS, INTRAHEPATIC, OF PREGNANCY, 3. Last evaluated: 2017-10-18. Review status: no assertion criteria provided. Collection method: literature only. Allele origin: germline. Not counted in ClinVar's aggregate classification.

Literature cited by the submitters: PubMed 36550572 (cited by Genomenon, Inc); PubMed 9419367 (cited by 3 submitters); PubMed 17726488 (cited by Labcorp Genetics (formerly Invitae), Labcorp); PubMed 25755532 (cited by Labcorp Genetics (formerly Invitae), Labcorp); PubMed 28776642 (cited by Illumina Laboratory Services, Illumina); PubMed 8666348 (cited by OMIM).